The following is an entry in ClinVar:

NM_000088.4(COL1A1):c.1155+1G>C

Gene: COL1A1 (collagen type I alpha 1 chain; minus strand). Cytogenetic location: 17q21.33.
Variant type: single nucleotide variant.
Coding change: c.1155+1G>C on transcript NM_000088.4 (MANE Select); the canonical splice donor site of the intron after coding-DNA position 1155, G replaced by C.
Molecular consequence: splice donor variant.
Genome position (GRCh38, 1-based): chr17:50,195,566, C>G on the plus strand (G>C on the coding strand, the complement: COL1A1 is on the minus strand). VCF-style: chr17-50195566-C-G. GRCh37 (hg19) VCF-style: chr17-48272927-C-G.
Identifiers: ClinVar variation 1322111 (VCV001322111.10), dbSNP rs72648315, ClinGen allele CA291546841.

ClinVar aggregate classification (germline): Pathogenic/Likely pathogenic. Review status: criteria provided, multiple submitters, no conflicts (2 of 4 stars). 4 submissions from 4 submitters: Pathogenic (3); Likely pathogenic (1). Last evaluated 2025-06-09.

Conditions:
COL1A1-related disorder. Also called: COL1A1-related condition; COL1A1- related disease.
Osteogenesis imperfecta type I (OI1). Also called: OI, TYPE I; OSTEOGENESIS IMPERFECTA TARDA; OSTEOGENESIS IMPERFECTA WITH BLUE SCLERAE; Osteogenesis imperfecta type 1; Lobstein's Disease; Lobstein disease. Identifiers: Orphanet 216796, Orphanet 666, MedGen C0023931, MONDO:0008146, OMIM 166200. Disease mechanism: loss of function.
Osteogenesis imperfecta (OI). Identifiers: Orphanet 666, MedGen C0029434, MeSH D010013, MONDO:0019019.

Submissions (4):

Labcorp Genetics (formerly Invitae), Labcorp
Classification: Pathogenic for Osteogenesis imperfecta type I. Last evaluated: 2025-06-09. Review status: criteria provided, single submitter. Criteria: Invitae Variant Classification Sherloc (09022015). Collection method: clinical testing. Allele origin: germline.
Comment: This sequence change affects a donor splice site in intron 17 of the COL1A1 gene. It is expected to disrupt RNA splicing. Variants that disrupt the donor or acceptor splice site typically lead to a loss of protein function (PMID: 16199547), and loss-of-function variants in COL1A1 are known to be pathogenic (PMID: 7942841, 9295084, 9443882). This variant is not present in population databases (gnomAD no frequency). Disruption of this splice site has been observed in individuals with osteogenesis imperfecta (PMID: 9203215, 30715774, 30886339). ClinVar contains an entry for this variant (Variation ID: 1322111). Algorithms developed to predict the effect of sequence changes on RNA splicing suggest that this variant may disrupt the consensus splice site. For these reasons, this variant has been classified as Pathogenic.

PreventionGenetics, part of Exact Sciences
Classification: Pathogenic for COL1A1-related condition. Last evaluated: 2024-10-22. Review status: criteria provided, single submitter. Criteria: ACMG Guidelines, 2015. Collection method: clinical testing. Allele origin: germline.
Comment: The COL1A1 c.1155+1G>C variant is predicted to disrupt the GT donor site and interfere with normal splicing. This variant has been reported, in some cases de novo, in individuals with osteogenesis imperfecta (Pepin et al. 1997. PubMed ID: 9203215; Table S1, Bardai et al. 2016. PubMed ID: 27509835; Gug et al. 2020. PubMed ID: 32165296; Table S1, Lin et al. 2023. PubMed ID: 37270749). This variant has not been reported in a large population database, indicating this variant is rare. Variants that disrupt the consensus splice donor site in COL1A1 are expected to be pathogenic. This variant is interpreted as pathogenic.

Revvity Omics, Revvity
Classification: Pathogenic. Last evaluated: 2024-03-18. Review status: criteria provided, single submitter. Criteria: ACMG Guidelines, 2015. Collection method: clinical testing. Allele origin: germline.

Kasturba Medical College, Manipal, Kasturba Medical College, Manipal, Manipal Academy of Higher Education, Manipal, India
Classification: Likely pathogenic for Osteogenesis imperfecta. Review status: criteria provided, single submitter. Criteria: ACMG Guidelines, 2015. Collection method: clinical testing. Allele origin: de novo. Inheritance: Autosomal dominant inheritance. Affected: yes. Observed: 1 heterozygote.

Literature cited by the submitters: PubMed 16199547 (cited by Labcorp Genetics (formerly Invitae), Labcorp); PubMed 7942841 (cited by Labcorp Genetics (formerly Invitae), Labcorp); PubMed 9295084 (cited by Labcorp Genetics (formerly Invitae), Labcorp); PubMed 9443882 (cited by Labcorp Genetics (formerly Invitae), Labcorp); PubMed 9203215 (cited by Labcorp Genetics (formerly Invitae), Labcorp); PubMed 30715774 (cited by Labcorp Genetics (formerly Invitae), Labcorp); PubMed 30886339 (cited by Labcorp Genetics (formerly Invitae), Labcorp); DOI 10.1002/humu.9423 (cited by Kasturba Medical College, Manipal, Kasturba Medical College, Manipal, Manipal Academy of Higher Education, Manipal, India).